The following is an entry in ClinVar:

ClinVar aggregate classification (germline): Uncertain significance (1 of 4 stars; one submission).

Conditions:
Norman-Roberts syndrome (LIS2). Also called: Lissencephaly 2 (Norman-Roberts type). Identifiers: Orphanet 89844, MedGen C0796089, MONDO:0009760, OMIM 257320.
Familial temporal lobe epilepsy 7. Identifiers: Orphanet 101046, MedGen C4225327, MONDO:0014639, OMIM 616436.

Submission:

Labcorp Genetics (formerly Invitae), Labcorp
Classification: Uncertain significance for Familial temporal lobe epilepsy 7; Norman-Roberts syndrome. Last evaluated: 2022-07-26. Review status: criteria provided, single submitter. Criteria: Invitae Variant Classification Sherloc (09022015). Collection method: clinical testing. Allele origin: germline.
Comment: In summary, the available evidence is currently insufficient to determine the role of this variant in disease. Therefore, it has been classified as a Variant of Uncertain Significance. Algorithms developed to predict the effect of missense changes on protein structure and function are either unavailable or do not agree on the potential impact of this missense change (SIFT: "Deleterious"; PolyPhen-2: "Probably Damaging"; Align-GVGD: "Class C0"). ClinVar contains an entry for this variant (Variation ID: 934862). This variant has not been reported in the literature in individuals affected with RELN-related conditions. This variant is not present in population databases (gnomAD no frequency). This sequence change replaces histidine, which is basic and polar, with arginine, which is basic and polar, at codon 1582 of the RELN protein (p.His1582Arg).

NM_005045.4(RELN):c.4745A>G (p.His1582Arg)

Gene: RELN (reelin; minus strand). Cytogenetic location: 7q22.1.
Variant type: single nucleotide variant.
Coding change: c.4745A>G on transcript NM_005045.4 (MANE Select); coding-DNA position 4745, A replaced by G.
Protein change: p.His1582Arg; replaces histidine 1582 with arginine.
Molecular consequence: missense variant.
Genome position (GRCh38, 1-based): chr7:103,566,603, T>C on the plus strand (A>G on the coding strand, the complement: RELN is on the minus strand). VCF-style: chr7-103566603-T-C. GRCh37 (hg19) VCF-style: chr7-103207050-T-C.
Other names: c.4745A>G, p.His1582Arg (NM_173054.3); short protein forms H1582R.
Identifiers: ClinVar variation 934862 (VCV000934862.7), dbSNP rs932665576, ClinGen allele CA163914563.